The following is an entry in ClinVar:

NM_000321.3(RB1):c.1423A>T (p.Lys475Ter)

Gene: RB1 (RB transcriptional corepressor 1; plus strand). Cytogenetic location: 13q14.2.
Variant type: single nucleotide variant.
Coding change: c.1423A>T on transcript NM_000321.3 (MANE Select); coding-DNA position 1423, A replaced by T.
Protein change: p.Lys475Ter; replaces lysine 475 with a stop codon.
Molecular consequence: nonsense.
Genome position (GRCh38, 1-based): chr13:48,380,166, A>T. VCF-style: chr13-48380166-A-T. GRCh37 (hg19) VCF-style: chr13-48954302-A-T.
Other names: c.1423A>T, p.Lys475Ter (NM_001407165.1, NM_001407166.1); short protein forms K475*.
Identifiers: ClinVar variation 2006333 (VCV002006333.5), dbSNP rs2542204515, ClinGen allele CA388162757.

ClinVar aggregate classification (germline): Pathogenic. Review status: criteria provided, multiple submitters, no conflicts (2 of 4 stars). 2 submissions from 2 submitters: Pathogenic (2). Last evaluated 2024-08-16.

Conditions:
Retinoblastoma (RB1). Also called: RETINOBLASTOMA, SOMATIC. Identifiers: Orphanet 790, MedGen C0035335, MeSH D012175, MONDO:0008380, OMIM 180200, HP:0009919. Disease mechanism: loss of function. Inheritance: Both sporadic and heritable forms are tested..
Hereditary cancer-predisposing syndrome. Also called: Hereditary neoplastic syndrome; Hereditary Cancer Syndrome; Tumor predisposition; Neoplastic Syndromes, Hereditary. Identifiers: Orphanet 140162, MedGen C0027672, MeSH D009386, MONDO:0015356.

Submissions (2):

Ambry Genetics
Classification: Pathogenic for Hereditary cancer-predisposing syndrome. Last evaluated: 2024-08-16. Review status: criteria provided, single submitter. Criteria: Ambry Variant Classification Scheme 2023. Collection method: clinical testing. Allele origin: germline.
Comment: The p.K475* variant (also known as c.1423A>T), located in coding exon 16 of the RB1 gene, results from an A to T substitution at nucleotide position 1423. This changes the amino acid from a lysine to a stop codon within coding exon 16. This variant is considered to be rare based on population cohorts in the Genome Aggregation Database (gnomAD). This alteration is expected to result in loss of function by premature protein truncation or nonsense-mediated mRNA decay. As such, this alteration is interpreted as a disease-causing mutation.

Labcorp Genetics (formerly Invitae), Labcorp
Classification: Pathogenic for Retinoblastoma. Last evaluated: 2022-06-14. Review status: criteria provided, single submitter. Criteria: Invitae Variant Classification Sherloc (09022015). Collection method: clinical testing. Allele origin: germline.
Comment: For these reasons, this variant has been classified as Pathogenic. This variant has not been reported in the literature in individuals affected with RB1-related conditions. This variant is not present in population databases (gnomAD no frequency). This sequence change creates a premature translational stop signal (p.Lys475*) in the RB1 gene. It is expected to result in an absent or disrupted protein product. Loss-of-function variants in RB1 are known to be pathogenic (PMID: 17096365).

Literature cited by the submitters: PubMed 17096365 (cited by Labcorp Genetics (formerly Invitae), Labcorp).